The following is an entry in ClinVar:

ClinVar aggregate classification (germline): Uncertain significance (1 of 4 stars; one submission).

Conditions:
Idiopathic generalized epilepsy. Also called: Generalised epilepsy; EIG. Identifiers: MedGen C0270850, MONDO:0005579, OMIM 600669.
Hyperaldosteronism, familial, type IV (HALD4). Also called: FH IV; ALDOSTERONISM, PRIMARY, AND HYPERTENSION. Identifiers: Orphanet 642671, MedGen C4310756, MONDO:0014875, OMIM 617027.

Submission:

Labcorp Genetics (formerly Invitae), Labcorp
Classification: Uncertain significance for Idiopathic generalized epilepsy; Hyperaldosteronism, familial, type IV. Last evaluated: 2020-02-24. Review status: criteria provided, single submitter. Criteria: Invitae Variant Classification Sherloc (09022015). Collection method: clinical testing. Allele origin: germline.
Comment: Experimental studies and prediction algorithms are not available for this variant, and the functional significance of the affected amino acid(s) is currently unknown. This variant has not been reported in the literature in individuals with CACNA1H-related disease. This variant is not present in population databases (ExAC no frequency). This variant, c.5135_5137delCCA, results in the deletion of 1 amino acid(s) of the CACNA1H protein (p.Thr1712del), but otherwise preserves the integrity of the reading frame. In summary, the available evidence is currently insufficient to determine the role of this variant in disease. Therefore, it has been classified as a Variant of Uncertain Significance.

NM_021098.3(CACNA1H):c.5132CCA[1] (p.Thr1712del)

Gene: CACNA1H (calcium voltage-gated channel subunit alpha1 H; plus strand). Cytogenetic location: 16p13.3.
Variant type: Microsatellite.
Coding change: c.5132CCA[1] on transcript NM_021098.3 (MANE Select); one copy of the 3-base unit CCA starting at c.5132; the reference has two copies in a row; one copy, 3 bases deleted.
Protein change: p.Thr1712del; deletes threonine 1712.
Molecular consequence: inframe deletion.
Genome position (GRCh38, 1-based): chr16:1,215,337-1,215,339, CCA deleted; deleting any 3 consecutive bases within chr16:1,215,334-1,215,339 gives the same sequence; the position shown is the placement nearest the transcript's 3' end. VCF-style (leftmost placement, unchanged base first): chr16-1215333-CCCA-C. GRCh37 (hg19) VCF-style: chr16-1265333-CCCA-C.
Other names: c.5114CCA[1], p.Thr1706del (NM_001005407.2); short protein forms T1706del, T1712del.
Identifiers: ClinVar variation 664280 (VCV000664280.8), dbSNP rs1596470148, ClinGen allele CA915945810.